The following is an entry in ClinVar:

ClinVar aggregate classification (germline): Uncertain significance (1 of 4 stars; one submission).

gnomAD v4.1: 1 of 1,613,834 alleles (0.000062%); highest among the groups gnomAD compares: Non-Finnish European, 0.000085%; no homozygotes.

Submission:

GeneDx
Classification: Uncertain significance. Last evaluated: 2019-12-18. Review status: criteria provided, single submitter. Criteria: GeneDx Variant Classification Process June 2021. Collection method: clinical testing. Allele origin: germline. Affected: yes.
Comment: Has not been previously published as pathogenic or benign to our knowledge; Not observed in large population cohorts (Lek et al., 2016); In silico analysis, which includes protein predictors and evolutionary conservation, supports that this variant does not alter protein structure/function; In-silico analysis is inconclusive as to whether the variant alters gene splicing. In the absence of RNA/functional studies, the actual effect of this sequence change is unknown.

NM_001348323.3(TRIP12):c.98G>A (p.Arg33Lys)

Gene: TRIP12 (thyroid hormone receptor interactor 12; minus strand). Cytogenetic location: 2q36.3.
Variant type: single nucleotide variant.
Coding change: c.98G>A on transcript NM_001348323.3 (MANE Select); coding-DNA position 98, G replaced by A.
Protein change: p.Arg33Lys; replaces arginine 33 with lysine.
Molecular consequence: missense variant.
Genome position (GRCh38, 1-based): chr2:229,879,982, C>T on the plus strand (G>A on the coding strand, the complement: TRIP12 is on the minus strand). VCF-style: chr2-229879982-C-T. GRCh37 (hg19) VCF-style: chr2-230744698-C-T.
Other names: c.98G>A, p.Arg33Lys (NM_001284214.2, NM_001284215.2, NM_001348315.2 and 21 more transcripts); c.98G>A, p.Ser33Asn (NM_001284216.2); short protein forms R33K, S33N.
Identifiers: ClinVar variation 1310272 (VCV001310272.2), dbSNP rs2154353729, ClinGen allele CA350909025.